The following is an entry in ClinVar:

NM_000501.4(ELN):c.1202del (p.Ala401fs)

Gene: ELN (elastin; plus strand). Cytogenetic location: 7q11.23.
Variant type: Deletion.
Coding change: c.1202del on transcript NM_000501.4 (MANE Select); coding-DNA position 1202, one base deleted (C; older notation c.1202delC).
Protein change: p.Ala401fs; shifts the reading frame from alanine 401.
Molecular consequence: frameshift variant.
Genome position (GRCh38, 1-based): chr7:74,056,322, C deleted. VCF-style (leftmost placement, unchanged base first): chr7-74056321-GC-G. GRCh37 (hg19) VCF-style: chr7-73470651-GC-G.
Other names: c.1172del, p.Ala391fs (NM_001081752.3, NM_001278917.2); c.1217del, p.Ala406fs (NM_001081753.3, NM_001081754.3); c.1202del, p.Ala401fs (NM_001081755.3, NM_001278912.2, NM_001278915.2 and 1 more transcripts); c.1094del, p.Ala365fs (NM_001278913.2); c.1187del, p.Ala396fs (NM_001278914.2); c.1160del, p.Ala387fs (NM_001278916.2); c.1070del, p.Ala357fs (NM_001278918.2); short protein forms A365fs, A401fs, A357fs, A387fs, A396fs, A406fs, A391fs.
Identifiers: ClinVar variation 4731474 (VCV004731474.1).

ClinVar aggregate classification (germline): Pathogenic (1 of 4 stars; one submission).

Conditions:
Supravalvar aortic stenosis (SVAS). Also called: Supravalvar aortic stenosis, Eisenberg type. Identifiers: Orphanet 3193, MedGen C0003499, MONDO:0008504, OMIM 185500, HP:0004381.

Submission:

Labcorp Genetics (formerly Invitae), Labcorp
Classification: Pathogenic for Supravalvar aortic stenosis. Last evaluated: 2025-11-18. Review status: criteria provided, single submitter. Criteria: Invitae Variant Classification Sherloc (09022015). Collection method: clinical testing. Allele origin: germline.
Comment: This sequence change creates a premature translational stop signal (p.Ala401Valfs*63) in the ELN gene. It is expected to result in an absent or disrupted protein product. Loss-of-function variants in ELN are known to be pathogenic (PMID: 11175284). This variant is not present in population databases (gnomAD no frequency). This variant has not been reported in the literature in individuals affected with ELN-related conditions. Algorithms developed to predict the effect of sequence changes on RNA splicing suggest that this variant may disrupt the consensus splice site. For these reasons, this variant has been classified as Pathogenic.

Literature cited by the submitters: PubMed 11175284.